The following is an entry in ClinVar:

ClinVar aggregate classification (germline): Likely benign (0 of 4 stars; one submission).

Conditions:
PREX2-related disorder. Also called: PREX2-related condition.

Allele frequency attached by ClinVar (database versions not stated): gnomAD exomes 0.00004.
gnomAD v4.1: 56 of 1,561,656 alleles (0.0036%); highest among the groups gnomAD compares: Admixed American, 0.0067%; no homozygotes.

Submission:

PreventionGenetics, part of Exact Sciences
Classification: Likely benign for PREX2-related condition. Last evaluated: 2019-12-06. Review status: no assertion criteria provided. Collection method: clinical testing. Allele origin: germline.
Comment: This variant is classified as likely benign based on ACMG/AMP sequence variant interpretation guidelines (Richards et al. 2015 PMID: 25741868, with internal and published modifications).

NM_024870.4(PREX2):c.408C>T (p.Leu136=)

Gene: PREX2 (phosphatidylinositol-3,4,5-trisphosphate dependent Rac exchange factor 2; plus strand). Cytogenetic location: 8q13.2.
Variant type: single nucleotide variant.
Coding change: c.408C>T on transcript NM_024870.4 (MANE Select); coding-DNA position 408, C replaced by T.
Protein change: p.Leu136=; no amino-acid change (leucine 136 retained).
Molecular consequence: synonymous variant.
Genome position (GRCh38, 1-based): chr8:68,022,107, C>T. VCF-style: chr8-68022107-C-T. GRCh37 (hg19) VCF-style: chr8-68934342-C-T.
Other names: c.408C>T, p.Leu136= (NM_025170.6).
Identifiers: ClinVar variation 3049219 (VCV003049219.2), dbSNP rs953865013, ClinGen allele CA178253121.